The following is an entry in ClinVar:

NM_001127511.3(APC):c.-218A>G

Genes: APC (APC regulator of Wnt signaling pathway; plus strand), LOC129994371 (ATAC-STARR-seq lymphoblastoid active region 22910; plus strand). Cytogenetic location: 5q22.2.
Variant type: single nucleotide variant.
Coding change: c.-218A>G on transcript NM_001127511.3; 218 bases upstream of the start codon, A replaced by G.
Molecular consequence: 5 prime UTR variant. On other transcripts: non-coding transcript variant (2).
Genome position (GRCh38, 1-based): chr5:112,707,500, A>G. VCF-style: chr5-112707500-A-G. GRCh37 (hg19) VCF-style: chr5-112043197-A-G.
Other names: c.-401A>G (NM_001354895.2, NM_001407447.1, NM_001407452.1 and 3 more transcripts); c.-218A>G (NM_001354897.2, NM_001354902.2, NM_001407446.1); c.-168A>G (NM_001407448.1, NM_001407450.1, NM_001407457.1 and 1 more transcripts); c.-192A>G (NM_001407453.1); c.-1436A>G (NM_001407470.1, NM_001407472.1).
Identifiers: ClinVar variation 537606 (VCV000537606.7), dbSNP rs1554060180, ClinGen allele CA658796603.

ClinVar aggregate classification (germline): Uncertain significance (1 of 4 stars; one submission).

Conditions:
Familial adenomatous polyposis 1 (FAP1). Also called: FAMILIAL ADENOMATOUS POLYPOSIS 1, ATTENUATED; POLYPOSIS, ADENOMATOUS INTESTINAL. Identifiers: MedGen C2713442, MONDO:0021056, OMIM 175100. Disease mechanism: loss of function.

Submission:

Labcorp Genetics (formerly Invitae), Labcorp
Classification: Uncertain significance for Familial adenomatous polyposis 1. Last evaluated: 2022-11-10. Review status: criteria provided, single submitter. Criteria: Invitae Variant Classification Sherloc (09022015). Collection method: clinical testing. Allele origin: germline.
Comment: This variant occurs in a non-coding region of the APC gene. It does not change the encoded amino acid sequence of the APC protein. This variant is not present in population databases (gnomAD no frequency). This variant has not been reported in the literature in individuals affected with APC-related conditions. ClinVar contains an entry for this variant (Variation ID: 537606). Experimental studies and prediction algorithms are not available or were not evaluated, and the functional significance of this variant is currently unknown. In summary, the available evidence is currently insufficient to determine the role of this variant in disease. Therefore, it has been classified as a Variant of Uncertain Significance.